The following is an entry in ClinVar:

NM_000540.3(RYR1):c.14601C>T (p.Ser4867=)

Gene: RYR1 (ryanodine receptor 1; plus strand). Cytogenetic location: 19q13.2.
Variant type: single nucleotide variant.
Coding change: c.14601C>T on transcript NM_000540.3 (MANE Select); coding-DNA position 14601, C replaced by T.
Protein change: p.Ser4867=; no amino-acid change (serine 4867 retained).
Molecular consequence: synonymous variant.
Genome position (GRCh38, 1-based): chr19:38,580,459, C>T. VCF-style: chr19-38580459-C-T. GRCh37 (hg19) VCF-style: chr19-39071099-C-T.
Other names: c.14586C>T, p.Ser4862= (NM_001042723.2).
Identifiers: ClinVar variation 590459 (VCV000590459.15), dbSNP rs370469515, ClinGen allele CA061419.
Genomic context (GRCh38, chr19:38,580,459, plus strand): 5'-GGTCGTCTACCTGTACACCGTGGTGGCCTTCAACTTCTTCCGCAAGTTCTACAACAAGAG[C>T]GAGGATGAGGATGAACCTGACATGAAGTGTGATGACATGATGACGGTGAGCCCCTCCCCT-3'
Protein context (NP_000531.2, residues 4857-4877): FNFFRKFYNK[Ser4867=]EDEDEPDMKC

ClinVar aggregate classification (germline): Likely benign. Review status: criteria provided, multiple submitters, no conflicts (2 of 4 stars). 6 submissions from 6 submitters: Likely benign (6). Last evaluated 2025-12-02.

Conditions:
Inborn genetic diseases. Identifiers: MedGen C0950123, MeSH D030342.
RYR1-related disorder. Also called: RYR1-related condition; RYR1-related disorders. Identifiers: MedGen CN239331.
Malignant hyperthermia, susceptibility to, 1 (MHS1). Also called: Malignant hyperthermia suceptibility 1; Anesthesia related hyperthermia; Malignant hyperpyrexia; Fulminating hyperpyrexia; Pharmacogenic myopathy; RYR1-Related Malignant Hyperthermia Susceptibility. Identifiers: Orphanet 423, MedGen C2930980, MONDO:0007783, OMIM 145600.

Allele frequency attached by ClinVar (database versions not stated): ExAC 0.00002; gnomAD 0.00002 and 0.00003; gnomAD exomes 0.00002 and 0.00004; TOPMed 0.00002; ESP Exome Variant Server 0.00008.
gnomAD v4.1: 65 of 1,613,992 alleles (0.004%); highest among the groups gnomAD compares: Non-Finnish European, 0.0052%; no homozygotes.

Submissions (6):

Labcorp Genetics (formerly Invitae), Labcorp
Classification: Likely benign for RYR1-related disorder. Last evaluated: 2025-12-02. Review status: criteria provided, single submitter. Criteria: Invitae Variant Classification Sherloc (09022015). Collection method: clinical testing. Allele origin: germline.

Ambry Genetics
Classification: Likely benign for Inborn genetic diseases. Last evaluated: 2025-08-21. Review status: criteria provided, single submitter. Criteria: Ambry Variant Classification Scheme 2023. Collection method: clinical testing. Allele origin: germline.

PreventionGenetics, part of Exact Sciences
Classification: Likely benign for RYR1-related condition. Last evaluated: 2025-03-25. Review status: criteria provided, single submitter. Criteria: ACMG Guidelines, 2015. Collection method: clinical testing. Allele origin: germline.
Comment: This variant is classified as likely benign based on ACMG/AMP sequence variant interpretation guidelines (Richards et al. 2015 PMID: 25741868, with internal and published modifications).

All of Us Research Program, National Institutes of Health
Classification: Likely benign for Malignant hyperthermia, susceptibility to, 1. Last evaluated: 2024-05-30. Review status: criteria provided, single submitter. Criteria: ACMG Guidelines, 2015. Collection method: clinical testing. Allele origin: germline. Inheritance: Autosomal dominant inheritance. Observed: 7 variant alleles, 7 heterozygotes.
Comment: This study involves interpretation of variants in research participants for the purpose of population health screening. Participant phenotype was not available at the time of variant classification. Additional details can be found in publication PMID: 35346344, PMCID: PMC8962531

Women's Health and Genetics/Laboratory Corporation of America, LabCorp
Classification: Likely benign. Last evaluated: 2023-08-01. Review status: criteria provided, single submitter. Criteria: LabCorp Variant Classification Summary - May 2015. Collection method: clinical testing. Allele origin: germline.

Color Diagnostics, LLC DBA Color Health
Classification: Likely benign for Malignant hyperthermia, susceptibility to, 1. Last evaluated: 2022-12-07. Review status: criteria provided, single submitter. Criteria: ACMG Guidelines, 2015. Collection method: clinical testing. Allele origin: germline.